The following is an entry in ClinVar:

ClinVar aggregate classification (germline): Pathogenic. Review status: reviewed by expert panel (3 of 4 stars). 5 submissions from 5 submitters: Pathogenic (1). 4 of the submissions do not count toward it. Last evaluated 2026-07-20.

Conditions:
CEP290-related ciliopathy. Also called: CEP290 ciliopathy. Identifiers: MedGen CN305601, MONDO:0100451.
Joubert syndrome. Also called: Familial aplasia of the vermis; JOUBERT-BOLTSHAUSER SYNDROME. Identifiers: Orphanet 475, MedGen C5979921, MONDO:0018772.
Nephronophthisis. Also called: Juvenile Nephronophthisis. Identifiers: Orphanet 655, MedGen C0687120, MONDO:0019005, HP:0000090.
Meckel-Gruber syndrome. Also called: Dysencephalia splachnocystica; DYSENCEPHALIA SPLANCHNOCYSTICA; GRUBER SYNDROME. Identifiers: Orphanet 564, MedGen C0265215, MONDO:0018921.
Leber congenital amaurosis (LCA). Also called: Leber's amaurosis. Identifiers: Orphanet 65, MedGen C0339527, MeSH D057130, MONDO:0018998.

Allele frequency attached by ClinVar (database versions not stated): gnomAD exomes below 0.00001.
gnomAD v4.1: 1 of 1,608,202 alleles (0.000062%); highest among the groups gnomAD compares: Non-Finnish European, 0.000085%; no homozygotes.

Submissions (5):

ClinGen Leber Congenital Amaurosis/early Onset Retinal Dystrophy Variant Curation Expert Panel, ClinGen
Classification: Pathogenic for CEP290-related ciliopathy. Last evaluated: 2026-07-20. Review status: reviewed by expert panel. Criteria: ClinGen LCAeoRD ACMG Specifications CEP290 V1.0.0. Collection method: curation. Allele origin: germline. Inheritance: Autosomal recessive inheritance.
Comment: NM_025114.4(CEP290):c.2695C>T (p.Gln899Ter) is a nonsense variant that introduces a premature stop codon into exon 25 of 54 and is predicted to lead to nonsense-mediated decay in a gene in which loss-of-function is an established mechanism of disease (PVS1). This variant is present in gnomAD v4.1.1 at a total allele frequency of 0.0000006218, with 1 allele / 1,608,202 total alleles, which is lower than the ClinGen LCA/eoRD VCEP PM2_Supporting threshold of <0.0006 (PM2_Supporting). This variant has been reported in at least 1 proband with early-onset severe retinal dystrophy who was compound heterozygous with the NM_025114.4(CEP290):c.2991+1655A>G variant suspected in trans, which was previously classified pathogenic by the ClinGen LCA/eoRD VCEP (0.5 total points, PMID: 20683928, PM3_Supporting). In summary, this variant meets the criteria to be classified as Pathogenic for CEP290-related ciliopathy based on the ACMG/AMP criteria applied, as specified by the ClinGen LCA/eoRD VCEP: PVS1, PM2_Supporting, and PM3_Supporting. (LCA/eoRD VCEP Specifications for CEP290 Version 1.0.0)

Natera, Inc.
Classification: Pathogenic for Leber congenital amaurosis. Last evaluated: 2024-12-09. Review status: criteria provided, single submitter. Criteria: Natera Variant Classification Schema (03/2026). Collection method: clinical testing. Allele origin: germline. Not counted in ClinVar's aggregate classification.
Comment: The c.2695C>T variant in CEP290 is a nonsense variant predicted to introduce a stop codon at amino acid 899. This variant is expected to result in nonsense mediated decay, truncation, or a dysfunctional protein product. This variant is rare in the general population with a frequency below the threshold expected for the associated phenotype(s). This variant has been observed in one or more individuals affected with the associated recessive disease, as either homozygous or compound heterozygous with a second variant (PMID: 20683928). Given the available evidence, this variant is classified as Pathogenic.

Dasa
Classification: Pathogenic. Last evaluated: 2024-10-31. Review status: criteria provided, single submitter. Criteria: DASA Assertion Criteria. Collection method: clinical testing. Allele origin: germline. Not counted in ClinVar's aggregate classification.
Comment: NM_025114.4(CEP290):c.2695C>T (p.Gln899*) introduces a premature termination codon predicted to result in loss of normal protein function. Loss-of-function is an established mechanism of disease for this gene. This variant has been observed in affected individuals with related phenotype in a genotype context consistent with recessive disease (PMID: 16909394; PMID: 20683928). This variant has been recurrently observed in individuals with related phenotype (PMID: 16909394; PMID: 20683928). Multiple computational predictions support a deleterious effect on the gene or gene product. The variant is present at low frequency in population datasets. Based on the available data, this variant is classified as pathogenic.

Labcorp Genetics (formerly Invitae), Labcorp
Classification: Pathogenic for Joubert syndrome; Meckel-Gruber syndrome; Nephronophthisis. Last evaluated: 2024-06-25. Review status: criteria provided, single submitter. Criteria: Invitae Variant Classification Sherloc (09022015). Collection method: clinical testing. Allele origin: germline. Not counted in ClinVar's aggregate classification.
Comment: This sequence change creates a premature translational stop signal (p.Gln899*) in the CEP290 gene. It is expected to result in an absent or disrupted protein product. Loss-of-function variants in CEP290 are known to be pathogenic (PMID: 16909394, 17345604, 20690115). This variant is not present in population databases (gnomAD no frequency). This premature translational stop signal has been observed in individual(s) with Leber congenital amaurosis (PMID: 20683928). Algorithms developed to predict the effect of sequence changes on RNA splicing suggest that this variant may disrupt the consensus splice site. For these reasons, this variant has been classified as Pathogenic.

Myriad Genetics, Inc.
Classification: Pathogenic for CEP290-related ciliopathy. Last evaluated: 2024-04-27. Review status: criteria provided, single submitter. Criteria: Myriad Autosomal Dominant, Autosomal Recessive and X-Linked Classification Criteria (2023). Collection method: clinical testing. Allele origin: unknown. Not counted in ClinVar's aggregate classification.
Comment: NM_025114.3(CEP290):c.2695C>T(Q899*) is expected to be pathogenic in the context of CEP290-related disorders. This variant is predicted to lead to an abnormal or absent protein product due to the creation of a premature termination codon in CEP290, a gene where loss-of-function variants are known to be pathogenic. Please note: this variant was assessed in the context of healthy population screening.

Literature cited by the submitters: PubMed 20683928 (cited by 3 submitters); PubMed 16909394 (cited by Dasa and Labcorp Genetics (formerly Invitae), Labcorp); PubMed 17345604 (cited by Labcorp Genetics (formerly Invitae), Labcorp); PubMed 20690115 (cited by Labcorp Genetics (formerly Invitae), Labcorp).

NM_025114.4(CEP290):c.2695C>T (p.Gln899Ter)

Gene: CEP290 (centrosomal protein 290; minus strand). Cytogenetic location: 12q21.32.
Variant type: single nucleotide variant.
Coding change: c.2695C>T on transcript NM_025114.4 (MANE Select); coding-DNA position 2695, C replaced by T.
Protein change: p.Gln899Ter; replaces glutamine 899 with a stop codon.
Molecular consequence: nonsense.
Genome position (GRCh38, 1-based): chr12:88,106,797, G>A on the plus strand (C>T on the coding strand, the complement: CEP290 is on the minus strand). VCF-style: chr12-88106797-G-A. GRCh37 (hg19) VCF-style: chr12-88500574-G-A.
Other names: NM_025114.4(CEP290):c.2695C>T; p.Gln899Ter; c.2695C>T (NM_025114.3); short protein forms Q899*.
Identifiers: ClinVar variation 2925499 (VCV002925499.7), dbSNP rs2500618622, ClinGen allele CA385971165.